The following is an entry in ClinVar:

NM_001283009.2(RTEL1):c.900C>G (p.Ser300Arg)

Genes: RTEL1 (regulator of telomere elongation helicase 1; plus strand), RTEL1-TNFRSF6B (RTEL1-TNFRSF6B readthrough (NMD candidate); plus strand). Cytogenetic location: 20q13.33.
Variant type: single nucleotide variant.
Coding change: c.900C>G on transcript NM_001283009.2 (MANE Select); coding-DNA position 900, C replaced by G.
Protein change: p.Ser300Arg; replaces serine 300 with arginine.
Molecular consequence: missense variant. On other transcripts: non-coding transcript variant (1).
Genome position (GRCh38, 1-based): chr20:63,674,074, C>G. VCF-style: chr20-63674074-C-G. GRCh37 (hg19) VCF-style: chr20-62305427-C-G.
Other names: c.231C>G, p.Ser77Arg (NM_001283010.1); c.900C>G, p.Ser300Arg (NM_016434.4); c.972C>G, p.Ser324Arg (NM_032957.5); short protein forms S300R, S324R, S77R.
Identifiers: ClinVar variation 1712807 (VCV001712807.9), dbSNP rs146100165, ClinGen allele CA9964478.
Genomic context (GRCh38, chr20:63,674,074, plus strand): 5'-CCAGGTGCTGGAGGAGCAGACCAAGGCAGCGCAGCAGGGTGAGCCCCACCCGGAGTTCAG[C>G]GCGGACTCCCCCAGCCCAGGTGCGTTCATAGCCAGACTGCTTGGTCCTGAGGCCTGCGCT-3'
Protein context (NP_001269938.1, residues 290-310): AQQGEPHPEF[Ser300Arg]ADSPSPGLNM

ClinVar aggregate classification (germline): Uncertain significance. Review status: criteria provided, multiple submitters, no conflicts (2 of 4 stars). 3 submissions from 3 submitters: Uncertain significance (3). Last evaluated 2025-11-16.

Conditions:
Pulmonary fibrosis and/or bone marrow failure, Telomere-related, 3. Also called: PULMONARY FIBROSIS AND/OR BONE MARROW FAILURE SYNDROME, TELOMERE-RELATED, 3. Identifiers: Orphanet 2032, MedGen C4225346, MONDO:0014613, OMIM 616373.
Dyskeratosis congenita, autosomal recessive 5 (DKCB5). Identifiers: MedGen C3554656, MONDO:0014076, OMIM 615190.
Inborn genetic diseases. Identifiers: MedGen C0950123, MeSH D030342.

Allele frequency attached by ClinVar (database versions not stated): ESP Exome Variant Server 0.00054.
gnomAD v4.1: 53 of 1,612,458 alleles (0.0033%); highest among the groups gnomAD compares: African/African-American, 0.068%; no homozygotes.

Submissions (3):

Labcorp Genetics (formerly Invitae), Labcorp
Classification: Uncertain significance for Dyskeratosis congenita, autosomal recessive 5; Pulmonary fibrosis and/or bone marrow failure, Telomere-related, 3. Last evaluated: 2025-11-16. Review status: criteria provided, single submitter. Criteria: Invitae Variant Classification Sherloc (09022015). Collection method: clinical testing. Allele origin: germline.
Comment: This sequence change replaces serine, which is neutral and polar, with arginine, which is basic and polar, at codon 300 of the RTEL1 protein (p.Ser300Arg). This variant is present in population databases (rs146100165, gnomAD 0.06%). This variant has not been reported in the literature in individuals affected with RTEL1-related conditions. ClinVar contains an entry for this variant (Variation ID: 1712807). An algorithm developed to predict the effect of missense changes on protein structure and function (PolyPhen-2) suggests that this variant is likely to be disruptive. Algorithms developed to predict the effect of sequence changes on RNA splicing suggest that this variant may disrupt the consensus splice site. In summary, the available evidence is currently insufficient to determine the role of this variant in disease. Therefore, it has been classified as a Variant of Uncertain Significance.

GeneDx
Classification: Uncertain significance. Last evaluated: 2023-08-15. Review status: criteria provided, single submitter. Criteria: GeneDx Variant Classification Process June 2021. Collection method: clinical testing. Allele origin: germline.
Comment: Has not been previously published as pathogenic or benign to our knowledge; In silico analysis supports that this missense variant has a deleterious effect on protein structure/function

Ambry Genetics
Classification: Uncertain significance for Inborn genetic diseases. Last evaluated: 2021-10-22. Review status: criteria provided, single submitter. Criteria: Ambry Variant Classification Scheme 2023. Collection method: clinical testing. Allele origin: germline.